The following is an entry in ClinVar:

ClinVar aggregate classification (germline): Uncertain significance (1 of 4 stars; one submission).

Conditions:
Cardiovascular phenotype. Identifiers: MedGen CN230736.
Hereditary cancer-predisposing syndrome. Also called: Neoplastic Syndromes, Hereditary; Tumor predisposition; Hereditary Cancer Syndrome; Hereditary neoplastic syndrome. Identifiers: Orphanet 140162, MedGen C0027672, MeSH D009386, MONDO:0015356.

gnomAD v4.1: 4 of 1,597,120 alleles (0.00025%); highest among the groups gnomAD compares: Non-Finnish European, 0.00034%; no homozygotes.

Submission:

Ambry Genetics
Classification: Uncertain significance for Cardiovascular phenotype; Hereditary cancer-predisposing syndrome. Last evaluated: 2025-10-16. Review status: criteria provided, single submitter. Criteria: Ambry Variant Classification Scheme 2023. Collection method: clinical testing. Allele origin: germline.
Comment: The c.3315-25A>G intronic variant results from an A to G substitution 25 nucleotides upstream from coding exon 26 in the NF1 gene. This nucleotide position is well conserved in available vertebrate species. In silico splice site analysis for this alteration is inconclusive; however, direct evidence is insufficient at this time (Ambry internal data). Based on the available evidence, the clinical significance of this variant remains unclear.

NM_001042492.3(NF1):c.3315-25A>G

Gene: NF1 (neurofibromin 1; plus strand). Cytogenetic location: 17q11.2.
Variant type: single nucleotide variant.
Coding change: c.3315-25A>G on transcript NM_001042492.3 (MANE Select); 25 bases into the intron before coding-DNA position 3315, A replaced by G.
Molecular consequence: intron variant.
Genome position (GRCh38, 1-based): chr17:31,232,675, A>G. VCF-style: chr17-31232675-A-G. GRCh37 (hg19) VCF-style: chr17-29559693-A-G.
Other names: c.3315-25A>G (NM_000267.4).
Identifiers: ClinVar variation 4615759 (VCV004615759.1).